The following is an entry in ClinVar:

ClinVar aggregate classification (germline): Uncertain significance (1 of 4 stars; one submission).

Submission:

GeneDx
Classification: Uncertain significance. Last evaluated: 2024-04-05. Review status: criteria provided, single submitter. Criteria: GeneDx Variant Classification Process June 2021. Collection method: clinical testing. Allele origin: germline. Affected: yes.
Comment: Not observed at significant frequency in large population cohorts (gnomAD); In silico analysis supports that this missense variant has a deleterious effect on protein structure/function; Has not been previously published as pathogenic or benign to our knowledge

NM_001130438.3(SPTAN1):c.1904G>T (p.Gly635Val)

Gene: SPTAN1 (spectrin alpha, non-erythrocytic 1; plus strand). Cytogenetic location: 9q34.11.
Variant type: single nucleotide variant.
Coding change: c.1904G>T on transcript NM_001130438.3 (MANE Select); coding-DNA position 1904, G replaced by T.
Protein change: p.Gly635Val; replaces glycine 635 with valine.
Molecular consequence: missense variant.
Genome position (GRCh38, 1-based): chr9:128,583,174, G>T. VCF-style: chr9-128583174-G-T. GRCh37 (hg19) VCF-style: chr9-131345453-G-T.
Other names: c.1904G>T, p.Gly635Val (NM_001195532.2, NM_001363759.2, NM_001363765.2 and 5 more transcripts); c.1940G>T, p.Gly647Val (NM_001375312.2, NM_001375318.1); short protein forms G635V, G647V.
Identifiers: ClinVar variation 3372146 (VCV003372146.1).